The following is an entry in ClinVar:

ClinVar aggregate classification (germline): Conflicting classifications of pathogenicity. Review status: criteria provided, conflicting classifications (1 of 4 stars). 6 submissions from 6 submitters: Uncertain significance (4); Likely benign (2). Last evaluated 2026-09-09.

Conditions:
Familial hypercholesterolemia. Also called: Familial hypercholesterolemias; Familial hypercholesterolaemia. Identifiers: MedGen C0020445, MONDO:0005439.
Hypercholesterolemia, autosomal dominant, type B (FHCL2). Also called: HYPERCHOLESTEROLEMIA, FAMILIAL, DUE TO LIGAND-DEFECTIVE APOLIPOPROTEIN B; APOB-Related Familial Hypercholesterolemia, Autosomal Dominant; Familial Hypercholesterolemia Type B; Familial hypercholesterolemia 2; APOLIPOPROTEIN B-100, FAMILIAL DEFECTIVE; APOLIPOPROTEIN B-100, FAMILIAL LIGAND-DEFECTIVE. Identifiers: MedGen C1704417, MONDO:0007751, OMIM 144010.
Familial hypobetalipoproteinemia 1. Also called: Hypobetalipoproteinemia, normotriglyceridemic; Acanthocytosis with hypobetalipoproteinemia; APOB-Related Familial Hypobetalipoproteinemia. Identifiers: MedGen C4551990, MONDO:0014252, OMIM 615558.
Hypercholesterolemia, familial, 1. Also called: LDL RECEPTOR DISORDER; Hyperlipoproteinemia Type IIa; HYPER-LOW-DENSITY-LIPOPROTEINEMIA; HYPERCHOLESTEROLEMIC XANTHOMATOSIS, FAMILIAL; Fredrickson type IIa hyperlipoproteinemia; Hyperlipoproteinemia type 2. Identifiers: Orphanet 391665, MedGen C0745103, MONDO:0007750, OMIM 143890.
Cardiovascular phenotype. Identifiers: MedGen CN230736.

Allele frequency attached by ClinVar (database versions not stated): TOPMed 0.00004; gnomAD 0.00006; gnomAD exomes 0.00006 and 0.00008; ExAC 0.00008; ESP Exome Variant Server 0.00008.
gnomAD v4.1: 126 of 1,614,100 alleles (0.0078%); highest among the groups gnomAD compares: Middle Eastern, 0.033%; 1 homozygote.

Submissions (6):

Cambridge Genomics Laboratory, East Genomic Laboratory Hub, NHS Genomic Medicine Service
Classification: Uncertain significance for Familial hypercholesterolaemia. Last evaluated: 2026-09-09. Review status: criteria provided, single submitter. Criteria: ACGS Best Practice Guidelines for Variant Classification in Rare Disease 2020. Collection method: clinical testing. Allele origin: germline. Affected: yes.

Labcorp Genetics (formerly Invitae), Labcorp
Classification: Likely benign for Familial hypobetalipoproteinemia 1; Hypercholesterolemia, autosomal dominant, type B. Last evaluated: 2025-12-13. Review status: criteria provided, single submitter. Criteria: Invitae Variant Classification Sherloc (09022015). Collection method: clinical testing. Allele origin: germline.

GeneDx
Classification: Uncertain significance. Last evaluated: 2022-12-27. Review status: criteria provided, single submitter. Criteria: GeneDx Variant Classification Process June 2021. Collection method: clinical testing. Allele origin: germline. Affected: yes.
Comment: Reported in one patient with low LDL levels in published literature (Khlebus et al., 2019); In silico analysis supports that this missense variant does not alter protein structure/function; This variant is associated with the following publications: (PMID: 31150472)

Ambry Genetics
Classification: Likely benign for Cardiovascular phenotype. Last evaluated: 2021-04-14. Review status: criteria provided, single submitter. Criteria: Ambry Variant Classification Scheme 2023. Collection method: clinical testing. Allele origin: germline.

Quest Diagnostics Nichols Institute San Juan Capistrano
Classification: Uncertain significance. Last evaluated: 2021-02-17. Review status: criteria provided, single submitter. Criteria: Quest Diagnostics criteria. Collection method: clinical testing. Allele origin: unknown.

Robarts Research Institute, Western University
Classification: Uncertain significance for Hypercholesterolemia, familial, 1. Last evaluated: 2018-01-02. Review status: criteria provided, single submitter. Criteria: ACMG Guidelines, 2015. Collection method: clinical testing. Allele origin: germline. Inheritance: Autosomal dominant inheritance. Affected: yes.

Literature cited by the submitters: PubMed 31150472 (cited by Quest Diagnostics Nichols Institute San Juan Capistrano).

NM_000384.3(APOB):c.5863G>A (p.Val1955Met)

Gene: APOB (apolipoprotein B; minus strand). Cytogenetic location: 2p24.1.
Variant type: single nucleotide variant.
Coding change: c.5863G>A on transcript NM_000384.3 (MANE Select); coding-DNA position 5863, G replaced by A.
Protein change: p.Val1955Met; replaces valine 1955 with methionine.
Molecular consequence: missense variant.
Genome position (GRCh38, 1-based): chr2:21,011,005, C>T on the plus strand (G>A on the coding strand, the complement: APOB is on the minus strand). VCF-style: chr2-21011005-C-T. GRCh37 (hg19) VCF-style: chr2-21233877-C-T.
Other names: short protein forms V1955M.
Identifiers: ClinVar variation 548062 (VCV000548062.13), dbSNP rs368970025, ClinGen allele CA062567.
Genomic context (GRCh38, chr2:21,011,005, plus strand): 5'-CTGGAGTAAGCAGGGCACTGACTTTGTGTTCAAGAGCTGCACTGATGCTTTTCCTAGACA[C>T]GAGATGATGACTTGTGGAGCCTTTGTAATCATGAGAGAAAGTAAATGCCAGAGGTTCTGC-3'
Protein context (NP_000375.3, residues 1945-1965): DYKGSTSHHL[Val1955Met]SRKSISAALE